The following is an entry in ClinVar:

ClinVar aggregate classification (germline): Uncertain significance. Review status: criteria provided, multiple submitters, no conflicts (2 of 4 stars). 2 submissions from 2 submitters: Uncertain significance (2). Last evaluated 2025-07-14.

Conditions:
Cardiovascular phenotype. Identifiers: MedGen CN230736.
Long QT syndrome (LQTS). Identifiers: MedGen C0023976, MeSH D008133, MONDO:0002442. Disease mechanism: loss of function. Inheritance: Various modes of inheritance.

Submissions (2):

Labcorp Genetics (formerly Invitae), Labcorp
Classification: Uncertain significance for Long QT syndrome. Last evaluated: 2025-07-14. Review status: criteria provided, single submitter. Criteria: Invitae Variant Classification Sherloc (09022015). Collection method: clinical testing. Allele origin: germline.
Comment: This sequence change replaces leucine, which is neutral and non-polar, with serine, which is neutral and polar, at codon 2185 of the AKAP9 protein (p.Leu2185Ser). This variant is not present in population databases (gnomAD no frequency). This variant has not been reported in the literature in individuals affected with AKAP9-related conditions. ClinVar contains an entry for this variant (Variation ID: 3516700). An algorithm developed to predict the effect of missense changes on protein structure and function (PolyPhen-2) suggests that this variant is likely to be disruptive. In summary, the available evidence is currently insufficient to determine the role of this variant in disease. Therefore, it has been classified as a Variant of Uncertain Significance.

Ambry Genetics
Classification: Uncertain significance for Cardiovascular phenotype. Last evaluated: 2024-10-07. Review status: criteria provided, single submitter. Criteria: Ambry Variant Classification Scheme 2023. Collection method: clinical testing. Allele origin: germline.
Comment: The p.L2185S variant (also known as c.6554T>C), located in coding exon 28 of the AKAP9 gene, results from a T to C substitution at nucleotide position 6554. The leucine at codon 2185 is replaced by serine, an amino acid with dissimilar properties. This amino acid position is conserved. In addition, this alteration is predicted to be tolerated by in silico analysis. Based on the available evidence, the clinical significance of this variant remains unclear.

NM_005751.5(AKAP9):c.6554T>C (p.Leu2185Ser)

Gene: AKAP9 (A-kinase anchoring protein 9; plus strand). Cytogenetic location: 7q21.2.
Variant type: single nucleotide variant.
Coding change: c.6554T>C on transcript NM_005751.5 (MANE Select); coding-DNA position 6554, T replaced by C.
Protein change: p.Leu2185Ser; replaces leucine 2185 with serine.
Molecular consequence: missense variant.
Genome position (GRCh38, 1-based): chr7:92,070,951, T>C. VCF-style: chr7-92070951-T-C. GRCh37 (hg19) VCF-style: chr7-91700265-T-C.
Other names: c.1199T>C, p.Leu400Ser (NM_001379277.1); c.6530T>C, p.Leu2177Ser (NM_147185.3); short protein forms L2177S, L400S, L2185S.
Identifiers: ClinVar variation 3516700 (VCV003516700.2).